The following is an entry in ClinVar:

NM_004991.4(MECOM):c.3011A>T (p.Asn1004Ile)

Gene: MECOM (MDS1 and EVI1 complex locus; minus strand). Cytogenetic location: 3q26.2.
Variant type: single nucleotide variant.
Coding change: c.3011A>T on transcript NM_004991.4 (MANE Select); coding-DNA position 3011, A replaced by T.
Protein change: p.Asn1004Ile; replaces asparagine 1004 with isoleucine.
Molecular consequence: missense variant.
Genome position (GRCh38, 1-based): chr3:169,095,084, T>A on the plus strand (A>T on the coding strand, the complement: MECOM is on the minus strand). VCF-style: chr3-169095084-T-A. GRCh37 (hg19) VCF-style: chr3-168812872-T-A.
Other names: c.2642A>T, p.Asn881Ile (NM_001105077.4); c.2447A>T, p.Asn816Ile (NM_001105078.4, NM_001205194.2, NM_001366469.2 and 1 more transcripts); c.2423A>T, p.Asn808Ile (NM_001163999.2, NM_001366470.2); c.2420A>T, p.Asn807Ile (NM_001164000.2, NM_001366471.2, NM_001366472.2); c.2984A>T, p.Asn995Ile (NM_001366466.2); c.2450A>T, p.Asn817Ile (NM_001366467.2, NM_001366468.2); c.2012A>T, p.Asn671Ile (NM_001366473.2); c.1448A>T, p.Asn483Ile (NM_001366474.2); short protein forms N671I, N1004I, N807I, N817I, N995I, N483I, N881I, N808I.
Identifiers: ClinVar variation 4053226 (VCV004053226.1).

ClinVar aggregate classification (germline): Uncertain significance (1 of 4 stars; one submission).

Conditions:
Inborn genetic diseases. Identifiers: MedGen C0950123, MeSH D030342.

Submission:

Ambry Genetics
Classification: Uncertain significance for Inborn genetic diseases. Last evaluated: 2025-05-02. Review status: criteria provided, single submitter. Criteria: Ambry Variant Classification Scheme 2023. Collection method: clinical testing. Allele origin: germline.
Comment: The p.N1004I variant (also known as c.3011A>T), located in coding exon 13 of the MECOM gene, results from an A to T substitution at nucleotide position 3011. The asparagine at codon 1004 is replaced by isoleucine, an amino acid with dissimilar properties. This amino acid position is conserved. In addition, the in silico prediction for this alteration is inconclusive. Based on the available evidence, the clinical significance of this variant remains unclear.